The following is an entry in ClinVar:

ClinVar aggregate classification (germline): Pathogenic (1 of 4 stars; one submission).

Submission:

Labcorp Genetics (formerly Invitae), Labcorp
Classification: Pathogenic. Last evaluated: 2025-09-03. Review status: criteria provided, single submitter. Criteria: Invitae Variant Classification Sherloc (09022015). Collection method: clinical testing. Allele origin: germline.
Comment: This sequence change creates a premature translational stop signal (p.Ser650*) in the MSH3 gene. It is expected to result in an absent or disrupted protein product. Loss-of-function variants in MSH3 are known to be pathogenic (PMID: 27476653, 37402566). This variant is not present in population databases (gnomAD no frequency). This variant has not been reported in the literature in individuals affected with MSH3-related conditions. For these reasons, this variant has been classified as Pathogenic.

Literature cited by the submitters: PubMed 27476653; PubMed 37402566.

NM_002439.5(MSH3):c.1949C>G (p.Ser650Ter)

Gene: MSH3 (mutS homolog 3; plus strand). Cytogenetic location: 5q14.1.
Variant type: single nucleotide variant.
Coding change: c.1949C>G on transcript NM_002439.5 (MANE Select); coding-DNA position 1949, C replaced by G.
Protein change: p.Ser650Ter; replaces serine 650 with a stop codon.
Molecular consequence: nonsense.
Genome position (GRCh38, 1-based): chr5:80,767,985, C>G. VCF-style: chr5-80767985-C-G. GRCh37 (hg19) VCF-style: chr5-80063804-C-G.
Other names: short protein forms S650*.
Identifiers: ClinVar variation 4726525 (VCV004726525.1).